The following is an entry in ClinVar:

ClinVar aggregate classification (germline): Likely benign. Review status: criteria provided, multiple submitters, no conflicts (2 of 4 stars). 2 submissions from 2 submitters: Likely benign (2). Last evaluated 2023-11-22.

Conditions:
Mitochondrial trifunctional protein deficiency. Identifiers: Orphanet 746, MedGen C1969443, MONDO:0012172.
Long chain 3-hydroxyacyl-CoA dehydrogenase deficiency. Also called: LCHAD Deficiency; Deficiency of long-chain 3-hydroxyacyl-coenzyme A dehydrogenase. Identifiers: Orphanet 5, MedGen C3711645, MONDO:0012173, OMIM 609016.

Allele frequency attached by ClinVar (database versions not stated): gnomAD exomes below 0.00001; gnomAD 0.00001; TOPMed 0.00002.
gnomAD v4.1: 6 of 1,613,474 alleles (0.00037%); highest among the groups gnomAD compares: Middle Eastern, 0.017%; no homozygotes.

Submissions (2):

Labcorp Genetics (formerly Invitae), Labcorp
Classification: Likely benign for Mitochondrial trifunctional protein deficiency; Long chain 3-hydroxyacyl-CoA dehydrogenase deficiency. Last evaluated: 2023-11-22. Review status: criteria provided, single submitter. Criteria: Invitae Variant Classification Sherloc (09022015). Collection method: clinical testing. Allele origin: germline.

CeGaT Center for Human Genetics Tuebingen
Classification: Likely benign. Last evaluated: 2023-03-01. Review status: criteria provided, single submitter. Criteria: CeGaT Center For Human Genetics Tuebingen Variant Classification Criteria Version 2. Collection method: clinical testing. Allele origin: germline. Affected: yes. Observed: 1 variant allele.
Comment: HADHA: BP4, BP7

NM_000182.5(HADHA):c.1323C>T (p.Ala441=)

Genes: HADHA (hydroxyacyl-CoA dehydrogenase trifunctional multienzyme complex subunit alpha; minus strand), GAREM2 (GRB2 associated regulator of MAPK1 subtype 2; plus strand). Cytogenetic location: 2p23.3.
Variant type: single nucleotide variant.
Coding change: c.1323C>T on transcript NM_000182.5 (MANE Select); coding-DNA position 1323, C replaced by T.
Protein change: p.Ala441=; no amino-acid change (alanine 441 retained).
Molecular consequence: synonymous variant.
Genome position (GRCh38, 1-based): chr2:26,201,218, G>A on the plus strand (C>T on the coding strand, the complement: HADHA is on the minus strand). VCF-style: chr2-26201218-G-A. GRCh37 (hg19) VCF-style: chr2-26424087-G-A.
Identifiers: ClinVar variation 1586550 (VCV001586550.32), dbSNP rs1288347890, ClinGen allele CA425201129.
Genomic context (GRCh38, chr2:26,201,218, plus strand): 5'-TTCCTTTAGCACTCTGTGCTTAAGACTAAGGTCCTCAAACACAGCTTCAATCACCATGTC[G>A]GCCTTTTCAAAACCTTGGTAATCAAGCTGCCCAGTCAAGTTGCTGAAGATGGAATCCCTT-3'
Protein context (NP_000173.2, residues 431-451): GQLDYQGFEK[Ala441=]DMVIEAVFED